The following is an entry in ClinVar:

ClinVar aggregate classification (germline): Conflicting classifications of pathogenicity. Review status: criteria provided, conflicting classifications (1 of 4 stars). 2 submissions from 2 submitters: Uncertain significance (1); Likely benign (1). Last evaluated 2025-12-10.

Conditions:
Ehlers-Danlos syndrome, type 4 (EDSVASC). Also called: Ehlers-Danlos syndrome vascular type; Ehlers Danlos syndrome, ecchymotic type; Ehlers Danlos syndrome, arterial type; Ehlers Danlos syndrome, Sack-Barabas type; Ehlers-Danlos Syndrome Type IV. Identifiers: Orphanet 286, MedGen C0268338, MONDO:0017314, OMIM 130050.

Submissions (2):

Labcorp Genetics (formerly Invitae), Labcorp
Classification: Likely benign for Ehlers-Danlos syndrome, type 4. Last evaluated: 2025-12-10. Review status: criteria provided, single submitter. Criteria: Invitae Variant Classification Sherloc (09022015). Collection method: clinical testing. Allele origin: germline.

Women's Health and Genetics/Laboratory Corporation of America, LabCorp
Classification: Uncertain significance. Last evaluated: 2023-07-05. Review status: criteria provided, single submitter. Criteria: LabCorp Variant Classification Summary - May 2015. Collection method: clinical testing. Allele origin: germline.
Comment: Variant summary: COL3A1 c.2607+14C>T alters a non-conserved nucleotide located close to a canonical splice site and therefore could affect mRNA splicing, leading to a significantly altered protein sequence. 4/4 computational tools predict no significant impact on normal splicing. However, these predictions have yet to be confirmed by functional studies. The variant was absent in 250906 control chromosomes (gnomAD). The available data on variant occurrences in the general population are insufficient to allow any conclusion about variant significance. To our knowledge, no occurrence of c.2607+14C>T in individuals affected with Ehlers-Danlos Syndrome, Vascular Type and no experimental evidence demonstrating its impact on protein function have been reported. No submitters have cited clinical-significance assessments for this variant to ClinVar after 2014. Based on the evidence outlined above, the variant was classified as uncertain significance.

NM_000090.4(COL3A1):c.2607+14C>T

Gene: COL3A1 (collagen type III alpha 1 chain; plus strand). Cytogenetic location: 2q32.2.
Variant type: single nucleotide variant.
Coding change: c.2607+14C>T on transcript NM_000090.4 (MANE Select); 14 bases into the intron after coding-DNA position 2607, C replaced by T.
Molecular consequence: intron variant.
Genome position (GRCh38, 1-based): chr2:189,003,478, C>T. VCF-style: chr2-189003478-C-T. GRCh37 (hg19) VCF-style: chr2-189868204-C-T.
Identifiers: ClinVar variation 2577101 (VCV002577101.2), dbSNP rs2469152253, ClinGen allele CA2577185784.